The following is an entry in ClinVar:

ClinVar aggregate classification (germline): Pathogenic (1 of 4 stars; one submission).

Submission:

GeneDx
Classification: Pathogenic. Last evaluated: 2024-09-11. Review status: criteria provided, single submitter. Criteria: GeneDx Variant Classification Process June 2021. Collection method: clinical testing. Allele origin: germline.
Comment: Frameshift variant predicted to result in protein truncation or nonsense mediated decay in a gene for which loss of function is a known mechanism of disease; Not observed at significant frequency in large population cohorts (gnomAD); Has not been previously published as pathogenic or benign to our knowledge

NM_001368397.1(FRMPD4):c.2776del (p.Gln926fs)

Gene: FRMPD4 (FERM and PDZ domain containing 4; plus strand). Cytogenetic location: Xp22.2.
Variant type: Deletion.
Coding change: c.2776del on transcript NM_001368397.1 (MANE Select); coding-DNA position 2776, one base deleted (C; older notation c.2776delC).
Protein change: p.Gln926fs; shifts the reading frame from glutamine 926.
Molecular consequence: frameshift variant.
Genome position (GRCh38, 1-based): chrX:12,717,602, C deleted. VCF-style (leftmost placement, unchanged base first): chrX-12717601-AC-A. GRCh37 (hg19) VCF-style: chrX-12735720-AC-A.
Other names: c.2887del, p.Gln963fs (NM_001368395.3, NM_001368398.3); c.2782del, p.Gln928fs (NM_001368396.3); c.2767del, p.Gln923fs (NM_001368399.3); c.2656del, p.Gln886fs (NM_001368400.3); c.2752del, p.Gln918fs (NM_001368401.1, NM_001368402.3); c.2776del, p.Gln926fs (NM_014728.3); short protein forms Q886fs, Q918fs, Q923fs, Q926fs, Q928fs, Q963fs.
Identifiers: ClinVar variation 2499920 (VCV002499920.2), dbSNP rs2519857115, ClinGen allele CA2580100026.